The following is an entry in ClinVar:

ClinVar aggregate classification (germline): Uncertain significance (1 of 4 stars; one submission).

Allele frequency attached by ClinVar (database versions not stated): TOPMed below 0.00001; gnomAD exomes 0.00001; ExAC 0.00002.
gnomAD v4.1: 10 of 1,184,574 alleles (0.00084%); highest among the groups gnomAD compares: South Asian, 0.0061%; no homozygotes.

Submission:

CeGaT Center for Human Genetics Tuebingen
Classification: Uncertain significance. Last evaluated: 2023-09-01. Review status: criteria provided, single submitter. Criteria: CeGaT Center For Human Genetics Tuebingen Variant Classification Criteria Version 2. Collection method: clinical testing. Allele origin: germline. Affected: yes. Observed: 1 variant allele.
Comment: MAP2K1: PP2

NM_002755.4(MAP2K1):c.*63C>T

Genes: MAP2K1 (mitogen-activated protein kinase kinase 1; plus strand), SNAPC5 (small nuclear RNA activating complex polypeptide 5; minus strand). Cytogenetic location: 15q22.31.
Variant type: single nucleotide variant.
Coding change: c.*63C>T on transcript NM_002755.4 (MANE Select); 63 bases downstream of the stop codon, C replaced by T.
Molecular consequence: 3 prime UTR variant. On other transcripts: non-coding transcript variant (1).
Genome position (GRCh38, 1-based): chr15:66,490,678, C>T. VCF-style: chr15-66490678-C-T. GRCh37 (hg19) VCF-style: chr15-66783016-C-T.
Other names: c.*63C>T (NM_001411065.1); c.*61G>A (NM_006049.4).
Identifiers: ClinVar variation 2645472 (VCV002645472.22), dbSNP rs767930298, ClinGen allele CA7624192.
Genomic context (GRCh38, chr15:66,490,678, plus strand): 5'-GTTTGGGAAGCAACAAAGAGCGAGTCCCCTGCCCGGTGGTTTGCCATGTCGCTTTTGGGC[C>T]TCCTTCCCATGCCTGTCTCTGTTCAGATGTGCATTTCACCTGTGACAAAGGATGAAGAAC-3'